The following is an entry in ClinVar:

ClinVar aggregate classification (germline): Pathogenic (1 of 4 stars; one submission).

Conditions:
Hereditary hemorrhagic telangiectasia (HHT). Also called: ORW DISEASE; Osler Weber Rendu syndrome; OSLER-RENDU-WEBER DISEASE; Osler hemorrhagic telangiectasia syndrome. Identifiers: Orphanet 774, MedGen C0039445, MONDO:0019180. Disease mechanism: loss of function.

Submission:

Labcorp Genetics (formerly Invitae), Labcorp
Classification: Pathogenic for Hereditary hemorrhagic telangiectasia. Last evaluated: 2021-03-21. Review status: criteria provided, single submitter. Criteria: Invitae Variant Classification Sherloc (09022015). Collection method: clinical testing. Allele origin: germline.
Comment: For these reasons, this variant has been classified as Pathogenic. A similar copy number variant has been observed in individual(s) with hereditary hemorrhagic telangiectasia (PMID: 21158752, Invitae). This variant results in a copy number gain of the genomic region encompassing exon(s) 2-8 of the ENG gene. While the exact position of this variant cannot be determined from the data, sub-genic copy number gains are generally in tandem (PMID: 25640679). This variant is predicted to be out-of-frame, and may result in an absent or disrupted protein product. Loss-of-function variants in ENG are known to be pathogenic (PMID: 15879500).

Literature cited by the submitters: PubMed 21158752; PubMed 25640679; PubMed 15879500.

NC_000009.11:g.(?_130586563)_(130605544_?)dup

Gene: ENG (endoglin; minus strand). Cytogenetic location: 9q34.11.
Variant type: Duplication.
Identifiers: ClinVar variation 1454536 (VCV001454536.8).